The following is an entry in ClinVar:

ClinVar aggregate classification (germline): Conflicting classifications of pathogenicity. Review status: criteria provided, conflicting classifications (1 of 4 stars). 3 submissions from 3 submitters: Uncertain significance (2); Likely benign (1). Last evaluated 2025-01-27.

Conditions:
Hereditary cancer-predisposing syndrome. Also called: Neoplastic Syndromes, Hereditary; Hereditary Cancer Syndrome; Tumor predisposition; Hereditary neoplastic syndrome. Identifiers: Orphanet 140162, MedGen C0027672, MeSH D009386, MONDO:0015356.
Hereditary breast ovarian cancer syndrome. Also called: BRCA1- and BRCA2-Associated Hereditary Breast and Ovarian Cancer; Hereditary breast and ovarian cancer; Hereditary breast and ovarian cancer syndrome; Hereditary breast and/or ovarian cancer syndrome; Hereditary breast and ovarian cancer syndrome (HBOC); Breast and ovarian cancer. Identifiers: Orphanet 145, MedGen C0677776, MeSH D061325, MONDO:0003582. Disease mechanism: loss of function.

Submissions (3):

Labcorp Genetics (formerly Invitae), Labcorp
Classification: Uncertain significance for Hereditary breast ovarian cancer syndrome. Last evaluated: 2025-01-27. Review status: criteria provided, single submitter. Criteria: Invitae Variant Classification Sherloc (09022015). Collection method: clinical testing. Allele origin: germline.
Comment: This sequence change replaces glutamic acid, which is acidic and polar, with leucine, which is neutral and non-polar, at codon 2260 of the BRCA2 protein (p.Glu2260Leu). Information on the frequency of this variant in the gnomAD database is not available, as this variant may be reported differently in the database. This variant has not been reported in the literature in individuals affected with BRCA2-related conditions. ClinVar contains an entry for this variant (Variation ID: 970176). An algorithm developed to predict the effect of missense changes on protein structure and function (PolyPhen-2) suggests that this variant is likely to be disruptive. In summary, the available evidence is currently insufficient to determine the role of this variant in disease. Therefore, it has been classified as a Variant of Uncertain Significance.

Ambry Genetics
Classification: Uncertain significance for Hereditary cancer-predisposing syndrome. Last evaluated: 2024-08-08. Review status: criteria provided, single submitter. Criteria: Ambry Variant Classification Scheme 2023. Collection method: clinical testing. Allele origin: germline.
Comment: The c.6778_6779delGAinsTT variant (also known as p.E2260L), located in coding exon 10 of the BRCA2 gene, results from an in-frame deletion of GA and insertion of TT at nucleotide positions 6778 to 6779. This results in the substitution of the glutamic acid residue for a leucine residue at codon 2260, an amino acid with dissimilar properties. This amino acid position is not well conserved in available vertebrate species. In addition, this alteration is predicted to be neutral by in silico analysis (Choi Y et al. PLoS ONE. 2012; 7(10):e46688). Based on the available evidence, the clinical significance of this variant remains unclear.

University of Washington Department of Laboratory Medicine, University of Washington
Classification: Likely benign for Hereditary cancer-predisposing syndrome. Last evaluated: 2023-03-23. Review status: criteria provided, single submitter. Criteria: Dines et al. (Genet Med. 2020). Collection method: curation. Allele origin: germline.
Comment: Missense variant in a coldspot region where missense variants are very unlikely to be pathogenic (PMID:31911673).

BRCA2 exon 11 coldspot. Reclassification based on statistical prior probability.

NM_000059.4(BRCA2):c.6778_6779delinsTT (p.Glu2260Leu)

Gene: BRCA2 (BRCA2 DNA repair associated; plus strand). Cytogenetic location: 13q13.1.
Variant type: Indel.
Coding change: c.6778_6779delinsTT on transcript NM_000059.4 (MANE Select); coding-DNA positions 6778 to 6779, GA replaced by TT.
Protein change: p.Glu2260Leu; replaces glutamic acid 2260 with leucine.
Molecular consequence: missense variant.
Genome position (GRCh38, 1-based): chr13:32,341,133-32,341,134, GA replaced by TT. VCF-style: chr13-32341133-GA-TT. GRCh37 (hg19) VCF-style: chr13-32915270-GA-TT.
Other names: c.6778_6779delGAinsTT (NM_000059.3); short protein forms E2260L.
Identifiers: ClinVar variation 970176 (VCV000970176.11), dbSNP rs2072565206, ClinGen allele CA1139663139.
Genomic context (GRCh38, chr13:32,341,133, plus strand): 5'-CTGACAGATTCTAAACTGCCAAGTCATGCCACACATTCTCTTTTTACATGTCCCGAAAAT[GA>TT]GGAAATGGTTTTGTCAAATTCAAGAATTGGAAAAAGAAGAGGAGAGCCCCTTATCTTAGT-3'
Protein context (NP_000050.3, residues 2250-2270): THSLFTCPEN[Glu2260Leu]EMVLSNSRIG